The following is an entry in ClinVar:

ClinVar aggregate classification (germline): Uncertain significance. Review status: criteria provided, multiple submitters, no conflicts (2 of 4 stars). 2 submissions from 2 submitters: Uncertain significance (2). Last evaluated 2025-09-25.

Conditions:
Apparent mineralocorticoid excess (AME). Also called: CORTISOL 11-BETA-KETOREDUCTASE DEFICIENCY. Identifiers: Orphanet 320, MedGen C0342488, MONDO:0009025, OMIM 218030.

Allele frequency attached by ClinVar (database versions not stated): TOPMed 0.00008; gnomAD 0.00011; gnomAD exomes 0.00012; 1000 Genomes Project 30x 0.00016; ExAC 0.00018; 1000 Genomes Project 0.00020.
gnomAD v4.1: 182 of 1,613,770 alleles (0.011%); highest among the groups gnomAD compares: Non-Finnish European, 0.014%; no homozygotes.

Submissions (2):

GeneDx
Classification: Uncertain significance. Last evaluated: 2025-09-25. Review status: criteria provided, single submitter. Criteria: GeneDx Variant Classification Process June 2021. Collection method: clinical testing. Allele origin: germline. Affected: yes.
Comment: In silico analysis suggests that this missense variant does not alter protein structure/function; Has not been previously published as pathogenic or benign to our knowledge

Fulgent Genetics
Classification: Uncertain significance for Apparent mineralocorticoid excess. Last evaluated: 2024-01-29. Review status: criteria provided, single submitter. Criteria: ACMG Guidelines, 2015. Collection method: clinical testing. Allele origin: germline.

NM_000196.4(HSD11B2):c.1007G>A (p.Arg336His)

Gene: HSD11B2 (hydroxysteroid 11-beta dehydrogenase 2; plus strand). Cytogenetic location: 16q22.1.
Variant type: single nucleotide variant.
Coding change: c.1007G>A on transcript NM_000196.4 (MANE Select); coding-DNA position 1007, G replaced by A.
Protein change: p.Arg336His; replaces arginine 336 with histidine.
Molecular consequence: missense variant.
Genome position (GRCh38, 1-based): chr16:67,436,792, G>A. VCF-style: chr16-67436792-G-A. GRCh37 (hg19) VCF-style: chr16-67470695-G-A.
Other names: short protein forms R336H.
Identifiers: ClinVar variation 1311586 (VCV001311586.4), dbSNP rs562756822, ClinGen allele CA8110798.